The following is an entry in ClinVar:

ClinVar aggregate classification (germline): Likely benign. Review status: criteria provided, multiple submitters, no conflicts (2 of 4 stars). 4 submissions from 4 submitters: Likely benign (3). 1 of the submissions does not count toward it. Last evaluated 2025-09-29.

Conditions:
Combined immunodeficiency due to LRBA deficiency. Also called: Common variable immunodeficiency 8, with autoimmunity. Identifiers: Orphanet 445018, MedGen C3553512, MONDO:0013863, OMIM 614700.
LRBA-related disorder. Also called: LRBA-related condition.

Allele frequency attached by ClinVar (database versions not stated): gnomAD 0.00004 and 0.00005; TOPMed 0.00004; gnomAD exomes 0.00006; ExAC 0.00007; 1000 Genomes Project 30x 0.00016; 1000 Genomes Project 0.00020.
gnomAD v4.1: 58 of 1,607,360 alleles (0.0036%); highest among the groups gnomAD compares: East Asian, 0.011%; no homozygotes.

Submissions (4):

Labcorp Genetics (formerly Invitae), Labcorp
Classification: Likely benign for Combined immunodeficiency due to LRBA deficiency. Last evaluated: 2025-09-29. Review status: criteria provided, single submitter. Criteria: Invitae Variant Classification Sherloc (09022015). Collection method: clinical testing. Allele origin: germline.

Laboratory of Genetics, Children's Clinical University Hospital Latvia
Classification: Likely benign. Last evaluated: 2025-02-16. Review status: criteria provided, single submitter. Criteria: ACMG Guidelines, 2015. Collection method: clinical testing. Allele origin: germline. Affected: yes.

CeGaT Center for Human Genetics Tuebingen
Classification: Likely benign. Last evaluated: 2024-05-01. Review status: criteria provided, single submitter. Criteria: CeGaT Center For Human Genetics Tuebingen Variant Classification Criteria Version 2. Collection method: clinical testing. Allele origin: germline. Affected: yes. Observed: 1 variant allele.
Comment: LRBA: BP4, BP7

PreventionGenetics, part of Exact Sciences
Classification: Likely benign for LRBA-related condition. Last evaluated: 2019-03-06. Review status: no assertion criteria provided. Collection method: clinical testing. Allele origin: germline. Not counted in ClinVar's aggregate classification.
Comment: This variant is classified as likely benign based on ACMG/AMP sequence variant interpretation guidelines (Richards et al. 2015 PMID: 25741868, with internal and published modifications).

NM_001364905.1(LRBA):c.7605G>A (p.Ala2535=)

Gene: LRBA (LPS responsive beige-like anchor protein; minus strand). Cytogenetic location: 4q31.3.
Variant type: single nucleotide variant.
Coding change: c.7605G>A on transcript NM_001364905.1 (MANE Select); coding-DNA position 7605, G replaced by A.
Protein change: p.Ala2535=; no amino-acid change (alanine 2535 retained).
Molecular consequence: synonymous variant.
Genome position (GRCh38, 1-based): chr4:150,321,216, C>T on the plus strand (G>A on the coding strand, the complement: LRBA is on the minus strand). VCF-style: chr4-150321216-C-T. GRCh37 (hg19) VCF-style: chr4-151242368-C-T.
Other names: c.7605G>A, p.Ala2535= (NM_001199282.3); c.7620G>A, p.Ala2540= (NM_001367550.1); c.7638G>A, p.Ala2546= (NM_006726.5).
Identifiers: ClinVar variation 720276 (VCV000720276.32), dbSNP rs186768838, ClinGen allele CA3101599.